The following is an entry in ClinVar:

ClinVar aggregate classification (germline): Conflicting classifications of pathogenicity. Review status: criteria provided, conflicting classifications (1 of 4 stars). 2 submissions from 2 submitters: Uncertain significance (1); Likely benign (1). Last evaluated 2023-03-23.

Conditions:
Hereditary cancer-predisposing syndrome. Also called: Hereditary Cancer Syndrome; Hereditary neoplastic syndrome; Neoplastic Syndromes, Hereditary; Tumor predisposition. Identifiers: Orphanet 140162, MedGen C0027672, MeSH D009386, MONDO:0015356.

Submissions (2):

University of Washington Department of Laboratory Medicine, University of Washington
Classification: Likely benign for Hereditary cancer-predisposing syndrome. Last evaluated: 2023-03-23. Review status: criteria provided, single submitter. Criteria: Dines et al. (Genet Med. 2020). Collection method: curation. Allele origin: germline.
Comment: Missense variant in a coldspot region where missense variants are very unlikely to be pathogenic (PMID:31911673).

BRCA2 exon 11 coldspot. Reclassification based on statistical prior probability.

Ambry Genetics
Classification: Uncertain significance for Hereditary cancer-predisposing syndrome. Last evaluated: 2021-12-13. Review status: criteria provided, single submitter. Criteria: Ambry Variant Classification Scheme 2023. Collection method: clinical testing. Allele origin: germline.
Comment: The p.E1927K variant (also known as c.5779G>A), located in coding exon 10 of the BRCA2 gene, results from a G to A substitution at nucleotide position 5779. The glutamic acid at codon 1927 is replaced by lysine, an amino acid with similar properties. This amino acid position is conserved. In addition, the in silico prediction for this alteration is inconclusive. Since supporting evidence is limited at this time, the clinical significance of this alteration remains unclear.

NM_000059.4(BRCA2):c.5779G>A (p.Glu1927Lys)

Gene: BRCA2 (BRCA2 DNA repair associated; plus strand). Cytogenetic location: 13q13.1.
Variant type: single nucleotide variant.
Coding change: c.5779G>A on transcript NM_000059.4 (MANE Select); coding-DNA position 5779, G replaced by A.
Protein change: p.Glu1927Lys; replaces glutamic acid 1927 with lysine.
Molecular consequence: missense variant.
Genome position (GRCh38, 1-based): chr13:32,340,134, G>A. VCF-style: chr13-32340134-G-A. GRCh37 (hg19) VCF-style: chr13-32914271-G-A.
Other names: c.5779G>A, p.Glu1927Lys (NM_001406719.1, NM_001406720.1); short protein forms E1927K.
Identifiers: ClinVar variation 1749590 (VCV001749590.4), dbSNP rs886038131, ClinGen allele CA387787134.